The following is an entry in ClinVar:

ClinVar aggregate classification (germline): Likely benign (1 of 4 stars; one submission).

gnomAD v4.1: 1 of 1,535,692 alleles (0.000065%); highest among the groups gnomAD compares: Admixed American, 0.002%; no homozygotes.

Submission:

CeGaT Center for Human Genetics Tuebingen
Classification: Likely benign. Last evaluated: 2024-12-01. Review status: criteria provided, single submitter. Criteria: CeGaT Center For Human Genetics Tuebingen Variant Classification Criteria Version 2. Collection method: clinical testing. Allele origin: germline. Affected: yes. Observed: 1 variant allele.
Comment: PIEZO2: BP4, BP7

NM_001378183.1(PIEZO2):c.2490C>T (p.Tyr830=)

Gene: PIEZO2 (piezo type mechanosensitive ion channel component 2; minus strand). Cytogenetic location: 18p11.22.
Variant type: single nucleotide variant.
Coding change: c.2490C>T on transcript NM_001378183.1 (MANE Select); coding-DNA position 2490, C replaced by T.
Protein change: p.Tyr830=; no amino-acid change (tyrosine 830 retained).
Molecular consequence: synonymous variant.
Genome position (GRCh38, 1-based): chr18:10,784,786, G>A on the plus strand (C>T on the coding strand, the complement: PIEZO2 is on the minus strand). VCF-style: chr18-10784786-G-A. GRCh37 (hg19) VCF-style: chr18-10784784-G-A.
Other names: c.2490C>T, p.Tyr830= (NM_001410871.1, NM_022068.4).
Identifiers: ClinVar variation 3772155 (VCV003772155.13).